The following is an entry in ClinVar:

ClinVar aggregate classification (germline): Uncertain significance (1 of 4 stars; one submission).

Allele frequency attached by ClinVar (database versions not stated): gnomAD exomes below 0.00001; TOPMed below 0.00001.
gnomAD v4.1: 5 of 1,613,964 alleles (0.00031%); highest among the groups gnomAD compares: African/African-American, 0.0013%; no homozygotes.

Submission:

Labcorp Genetics (formerly Invitae), Labcorp
Classification: Uncertain significance. Last evaluated: 2024-10-24. Review status: criteria provided, single submitter. Criteria: Invitae Variant Classification Sherloc (09022015). Collection method: clinical testing. Allele origin: germline.
Comment: This sequence change replaces arginine, which is basic and polar, with glutamine, which is neutral and polar, at codon 512 of the DGKZ protein (p.Arg512Gln). This variant is not present in population databases (gnomAD no frequency). This variant has not been reported in the literature in individuals affected with DGKZ-related conditions. An algorithm developed to predict the effect of missense changes on protein structure and function (PolyPhen-2) suggests that this variant is likely to be disruptive. In summary, the available evidence is currently insufficient to determine the role of this variant in disease. Therefore, it has been classified as a Variant of Uncertain Significance.

NM_001199267.2(DGKZ):c.968G>A (p.Arg323Gln)

Gene: DGKZ (diacylglycerol kinase zeta; plus strand). Cytogenetic location: 11p11.2.
Variant type: single nucleotide variant.
Coding change: c.968G>A on transcript NM_001199267.2 (MANE Select); coding-DNA position 968, G replaced by A.
Protein change: p.Arg323Gln; replaces arginine 323 with glutamine.
Molecular consequence: missense variant.
Genome position (GRCh38, 1-based): chr11:46,372,471, G>A. VCF-style: chr11-46372471-G-A. GRCh37 (hg19) VCF-style: chr11-46394021-G-A.
Other names: c.1019G>A, p.Arg340Gln (NM_201532.3); c.983G>A, p.Arg328Gln (NM_201533.3); c.1535G>A, p.Arg512Gln (NM_001105540.2); c.971G>A, p.Arg324Gln (NM_001199266.2, NM_003646.4); c.902G>A, p.Arg301Gln (NM_001199268.2); short protein forms R323Q, R324Q, R512Q, R328Q, R340Q, R301Q.
Identifiers: ClinVar variation 2787133 (VCV002787133.3), dbSNP rs1293032800, ClinGen allele CA380219405.